The following is an entry in ClinVar:

NM_001244008.2(KIF1A):c.5333+8C>T

Gene: KIF1A (kinesin family member 1A; minus strand). Cytogenetic location: 2q37.3.
Variant type: single nucleotide variant.
Coding change: c.5333+8C>T on transcript NM_001244008.2 (MANE Select); 8 bases into the intron after coding-DNA position 5333, C replaced by T.
Molecular consequence: intron variant.
Genome position (GRCh38, 1-based): chr2:240,718,042, G>A on the plus strand (C>T on the coding strand, the complement: KIF1A is on the minus strand). VCF-style: chr2-240718042-G-A. GRCh37 (hg19) VCF-style: chr2-241657459-G-A.
Other names: c.5333+8C>T (NM_001244008.1, NM_001379642.1); c.5030+8C>T (NM_001379653.1, NM_001379650.1, NM_004321.8 and 1 more transcripts); c.5306+8C>T (NM_001379645.1, NM_001379633.1); c.5156+8C>T (NM_001379635.1, NM_001379646.1); c.5027+8C>T (NM_001379640.1); c.4994+8C>T (NM_001379641.1); c.5054+8C>T (NM_001379639.1); c.5057+8C>T (NM_001379649.1, NM_001320705.2); and 8 more.
Identifiers: ClinVar variation 532905 (VCV000532905.19), dbSNP rs377084915, ClinGen allele CA2207109.

ClinVar aggregate classification (germline): Likely benign. Review status: criteria provided, multiple submitters, no conflicts (2 of 4 stars). 4 submissions from 4 submitters: Likely benign (3). 1 of the submissions does not count toward it. Last evaluated 2026-03-01.

Conditions:
Hereditary spastic paraplegia 30. Identifiers: Orphanet 101010, MedGen C5235139, MONDO:0012476.
Neuropathy, hereditary sensory, type 2C. Also called: Hereditary sensory and autonomic neuropathy type IIC; KIF1A-Related HSAN2 (HSAN2C). Identifiers: Orphanet 970, MedGen C3280168, MONDO:0013634, OMIM 614213.
Intellectual disability, autosomal dominant 9 (NESCAVS). Also called: NESCAV SYNDROME; KIF1A-Related Neurodevelopmental Disorder. Identifiers: Orphanet 662367, MedGen C5393830, MONDO:0013656, OMIM 614255.
KIF1A-related disorder. Also called: KIF1A-related disorders; KIF1A-related condition.

Allele frequency attached by ClinVar (database versions not stated): gnomAD 0.00007 and 0.00004; ESP Exome Variant Server 0.00008; TOPMed 0.00003; gnomAD exomes 0.00014; ExAC 0.00031; 1000 Genomes Project 0.00040; 1000 Genomes Project 30x 0.00047.
gnomAD v4.1: 145 of 1,585,620 alleles (0.0091%); highest among the groups gnomAD compares: South Asian, 0.11%; 2 homozygotes.

Submissions (4):

CeGaT Center for Human Genetics Tuebingen
Classification: Likely benign. Last evaluated: 2026-03-01. Review status: criteria provided, single submitter. Criteria: CeGaT Center For Human Genetics Tuebingen Variant Classification Criteria Version 2. Collection method: clinical testing. Allele origin: germline. Affected: yes. Observed: 1 variant allele.
Comment: KIF1A: BP4

Labcorp Genetics (formerly Invitae), Labcorp
Classification: Likely benign for Hereditary spastic paraplegia 30; Neuropathy, hereditary sensory, type 2C; Intellectual disability, autosomal dominant 9. Last evaluated: 2025-11-12. Review status: criteria provided, single submitter. Criteria: Invitae Variant Classification Sherloc (09022015). Collection method: clinical testing. Allele origin: germline.

Blueprint Genetics
Classification: Likely benign. Last evaluated: 2024-11-04. Review status: criteria provided, single submitter. Criteria: ACMG Guidelines, 2015. Collection method: clinical testing. Allele origin: germline.

PreventionGenetics, part of Exact Sciences
Classification: Likely benign for KIF1A-related condition. Last evaluated: 2019-10-28. Review status: no assertion criteria provided. Collection method: clinical testing. Allele origin: germline. Not counted in ClinVar's aggregate classification.
Comment: This variant is classified as likely benign based on ACMG/AMP sequence variant interpretation guidelines (Richards et al. 2015 PMID: 25741868, with internal and published modifications).